The following is an entry in ClinVar:

ClinVar aggregate classification (germline): Uncertain significance. Review status: criteria provided, multiple submitters, no conflicts (2 of 4 stars). 2 submissions from 2 submitters: Uncertain significance (2). Last evaluated 2019-01-14.

Conditions:
MHC class I deficiency. Identifiers: Orphanet 34592, MedGen C6024714, MONDO:0011476.

Allele frequency attached by ClinVar (database versions not stated): gnomAD exomes below 0.00001 and 0.00001; ExAC 0.00001.
gnomAD v4.1: 9 of 1,614,112 alleles (0.00056%); highest among the groups gnomAD compares: East Asian, 0.0022%; no homozygotes.

Submissions (2):

Blueprint Genetics
Classification: Uncertain significance. Last evaluated: 2019-01-14. Review status: criteria provided, single submitter. Criteria: ACMG Guidelines, 2015. Collection method: clinical testing. Allele origin: germline.

Labcorp Genetics (formerly Invitae), Labcorp
Classification: Uncertain significance for MHC class I deficiency 1. Last evaluated: 2018-09-20. Review status: criteria provided, single submitter. Criteria: Invitae Variant Classification Sherloc (09022015). Collection method: clinical testing. Allele origin: germline.
Comment: In summary, the available evidence is currently insufficient to determine the role of this variant in disease. Therefore, it has been classified as a Variant of Uncertain Significance. Algorithms developed to predict the effect of missense changes on protein structure and function output the following: SIFT: "Deleterious"; PolyPhen-2: "Benign"; Align-GVGD: "Class C0". The valine amino acid residue is found in multiple mammalian species, suggesting that this missense change does not adversely affect protein function. These predictions have not been confirmed by published functional studies and their clinical significance is uncertain. This variant has not been reported in the literature in individuals with TAP1-related disease. This variant is present in population databases (rs765958228, ExAC 0.001%). This sequence change replaces methionine with valine at codon 669 of the TAP1 protein (p.Met669Val). The methionine residue is moderately conserved and there is a small physicochemical difference between methionine and valine.

NM_000593.6(TAP1):c.1825A>G (p.Met609Val)

Gene: TAP1 (transporter 1, ATP binding cassette subfamily B member; minus strand). Cytogenetic location: 6p21.32.
Variant type: single nucleotide variant.
Coding change: c.1825A>G on transcript NM_000593.6 (MANE Select); coding-DNA position 1825, A replaced by G.
Protein change: p.Met609Val; replaces methionine 609 with valine.
Molecular consequence: missense variant.
Genome position (GRCh38, 1-based): chr6:32,847,591, T>C on the plus strand (A>G on the coding strand, the complement: TAP1 is on the minus strand). VCF-style: chr6-32847591-T-C. GRCh37 (hg19) VCF-style: chr6-32815368-T-C.
Other names: c.1222A>G, p.Met408Val (NM_001292022.2); short protein forms M669V, M408V, M609V.
Identifiers: ClinVar variation 644588 (VCV000644588.9), dbSNP rs765958228, ClinGen allele CA3746677.